The following is an entry in ClinVar:

ClinVar aggregate classification (germline): Likely benign (1 of 4 stars; one submission).

Conditions:
PML-related disorder. Also called: PML-related condition.

gnomAD v4.1: 38 of 1,613,576 alleles (0.0024%); highest among the groups gnomAD compares: African/African-American, 0.0067%; no homozygotes.

Submission:

PreventionGenetics, part of Exact Sciences
Classification: Likely benign for PML-related condition. Last evaluated: 2025-01-06. Review status: criteria provided, single submitter. Criteria: ACMG Guidelines, 2015. Collection method: clinical testing. Allele origin: germline.
Comment: This variant is classified as likely benign based on ACMG/AMP sequence variant interpretation guidelines (Richards et al. 2015 PMID: 25741868, with internal and published modifications).

NM_033238.3(PML):c.2532G>A (p.Gln844=)

Gene: PML (PML nuclear body scaffold; plus strand). Cytogenetic location: 15q24.1.
Variant type: single nucleotide variant.
Coding change: c.2532G>A on transcript NM_033238.3 (MANE Select); coding-DNA position 2532, G replaced by A.
Protein change: p.Gln844=; no amino-acid change (glutamine 844 retained).
Molecular consequence: synonymous variant.
Genome position (GRCh38, 1-based): chr15:74,044,891, G>A. VCF-style: chr15-74044891-G-A. GRCh37 (hg19) VCF-style: chr15-74337232-G-A.
Identifiers: ClinVar variation 4977665 (VCV004977665.1).